The following is an entry in ClinVar:

ClinVar aggregate classification (germline): Conflicting classifications of pathogenicity. Review status: criteria provided, conflicting classifications (1 of 4 stars). 2 submissions from 2 submitters: Uncertain significance (1); Likely benign (1). Last evaluated 2025-09-03.

Conditions:
Inborn genetic diseases. Identifiers: MedGen C0950123, MeSH D030342.

Allele frequency attached by ClinVar (database versions not stated): gnomAD exomes 0.00002; ESP Exome Variant Server 0.00008; ExAC 0.00003; gnomAD 0.00002; TOPMed 0.00004.
gnomAD v4.1: 34 of 1,609,166 alleles (0.0021%); highest among the groups gnomAD compares: Admixed American, 0.01%; no homozygotes.

Submissions (2):

Labcorp Genetics (formerly Invitae), Labcorp
Classification: Uncertain significance. Last evaluated: 2025-09-03. Review status: criteria provided, single submitter. Criteria: Invitae Variant Classification Sherloc (09022015). Collection method: clinical testing. Allele origin: germline.
Comment: This sequence change replaces arginine, which is basic and polar, with glutamine, which is neutral and polar, at codon 1387 of the RERE protein (p.Arg1387Gln). This variant is present in population databases (rs138193383, gnomAD 0.01%). This variant has not been reported in the literature in individuals affected with RERE-related conditions. ClinVar contains an entry for this variant (Variation ID: 2965841). Invitae Evidence Modeling of protein sequence and biophysical properties (such as structural, functional, and spatial information, amino acid conservation, physicochemical variation, residue mobility, and thermodynamic stability) has been performed for this missense variant. However, the output from this modeling did not meet the statistical confidence thresholds required to predict the impact of this variant on RERE protein function. In summary, the available evidence is currently insufficient to determine the role of this variant in disease. Therefore, it has been classified as a Variant of Uncertain Significance.

Ambry Genetics
Classification: Likely benign for Inborn genetic diseases. Last evaluated: 2024-10-09. Review status: criteria provided, single submitter. Criteria: Ambry Variant Classification Scheme 2023. Collection method: clinical testing. Allele origin: germline.

NM_001042681.2(RERE):c.4160G>A (p.Arg1387Gln)

Gene: RERE (arginine-glutamic acid dipeptide repeats; minus strand). Cytogenetic location: 1p36.23.
Variant type: single nucleotide variant.
Coding change: c.4160G>A on transcript NM_001042681.2 (MANE Select); coding-DNA position 4160, G replaced by A.
Protein change: p.Arg1387Gln; replaces arginine 1387 with glutamine.
Molecular consequence: missense variant.
Genome position (GRCh38, 1-based): chr1:8,358,375, C>T on the plus strand (G>A on the coding strand, the complement: RERE is on the minus strand). VCF-style: chr1-8358375-C-T. GRCh37 (hg19) VCF-style: chr1-8418435-C-T.
Other names: c.4160G>A (NM_012102.3); c.2498G>A, p.Arg833Gln (NM_001042682.2); c.4160G>A, p.Arg1387Gln (NM_012102.4); short protein forms R1387Q, R833Q.
Identifiers: ClinVar variation 2965841 (VCV002965841.4), dbSNP rs138193383, ClinGen allele CA570883.